The following is an entry in ClinVar:

ClinVar aggregate classification (germline): Uncertain significance. Review status: criteria provided, multiple submitters, no conflicts (2 of 4 stars). 2 submissions from 2 submitters: Uncertain significance (2). Last evaluated 2024-08-13.

Conditions:
Cranioectodermal dysplasia 3 (CED3). Identifiers: Orphanet 1515, MedGen C3279807, MONDO:0013573, OMIM 614099.
Short-rib thoracic dysplasia 18 with polydactyly. Identifiers: MedGen C4693420, MONDO:0036483, OMIM 617866.
Retinitis pigmentosa 81 (RP81). Identifiers: MedGen C4693443, MONDO:0036482, OMIM 617871.

Allele frequency attached by ClinVar (database versions not stated): gnomAD exomes below 0.00001 and 0.00001; TOPMed below 0.00001; gnomAD 0.00001.
gnomAD v4.1: 18 of 1,614,034 alleles (0.0011%); highest among the groups gnomAD compares: Admixed American, 0.0017%; no homozygotes.

Submissions (2):

Labcorp Genetics (formerly Invitae), Labcorp
Classification: Uncertain significance. Last evaluated: 2024-08-13. Review status: criteria provided, single submitter. Criteria: Invitae Variant Classification Sherloc (09022015). Collection method: clinical testing. Allele origin: germline.
Comment: This sequence change replaces phenylalanine, which is neutral and non-polar, with leucine, which is neutral and non-polar, at codon 185 of the IFT43 protein (p.Phe185Leu). This variant is present in population databases (no rsID available, gnomAD 0.003%). This missense change has been observed in individual(s) with clinical features of nephronophthisis-related cilopathy (PMID: 26489029). ClinVar contains an entry for this variant (Variation ID: 1005665). An algorithm developed to predict the effect of missense changes on protein structure and function (PolyPhen-2) suggests that this variant is likely to be disruptive. In summary, the available evidence is currently insufficient to determine the role of this variant in disease. Therefore, it has been classified as a Variant of Uncertain Significance.

Fulgent Genetics
Classification: Uncertain significance for Cranioectodermal dysplasia 3; Short-rib thoracic dysplasia 18 with polydactyly; Retinitis pigmentosa 81. Last evaluated: 2024-04-16. Review status: criteria provided, single submitter. Criteria: ACMG Guidelines, 2015. Collection method: clinical testing. Allele origin: germline.

Literature cited by the submitters: PubMed 26489029 (cited by Labcorp Genetics (formerly Invitae), Labcorp).

NM_001102564.3(IFT43):c.540C>A (p.Phe180Leu)

Gene: IFT43 (intraflagellar transport 43; plus strand). Cytogenetic location: 14q24.3.
Variant type: single nucleotide variant.
Coding change: c.540C>A on transcript NM_001102564.3 (MANE Select); coding-DNA position 540, C replaced by A.
Protein change: p.Phe180Leu; replaces phenylalanine 180 with leucine.
Molecular consequence: missense variant. On other transcripts: non-coding transcript variant (2).
Genome position (GRCh38, 1-based): chr14:76,083,490, C>A. VCF-style: chr14-76083490-C-A. GRCh37 (hg19) VCF-style: chr14-76549833-C-A.
Other names: c.555C>A, p.Phe185Leu (NM_052873.3); short protein forms F180L, F185L.
Identifiers: ClinVar variation 1005665 (VCV001005665.9), dbSNP rs894168247, ClinGen allele CA263709121.